The following is an entry in ClinVar:

NM_001083116.3(PRF1):c.539+82C>T

Gene: PRF1 (perforin 1; minus strand). Cytogenetic location: 10q22.1.
Variant type: single nucleotide variant.
Coding change: c.539+82C>T on transcript NM_001083116.3 (MANE Select); 82 bases into the intron after coding-DNA position 539, C replaced by T.
Molecular consequence: intron variant.
Genome position (GRCh38, 1-based): chr10:70,600,282, G>A on the plus strand (C>T on the coding strand, the complement: PRF1 is on the minus strand). VCF-style: chr10-70600282-G-A. GRCh37 (hg19) VCF-style: chr10-72360038-G-A.
Other names: c.539+82C>T (NM_005041.6).
Identifiers: ClinVar variation 1181354 (VCV001181354.5), dbSNP rs10999426, ClinGen allele CA13364843.

ClinVar aggregate classification (germline): Benign. Review status: criteria provided, multiple submitters, no conflicts (2 of 4 stars). 3 submissions from 3 submitters: Benign (3). Last evaluated 2023-11-12.

Allele frequency attached by ClinVar (database versions not stated): 1000 Genomes Project 0.14038; 1000 Genomes Project 30x 0.14335; TOPMed 0.21766; gnomAD 0.22266 and 0.22503; gnomAD exomes 0.29384.
gnomAD v4.1: 450,256 of 1,573,042 alleles (29%); highest among the groups gnomAD compares: Non-Finnish European, 32%; 69,802 homozygotes.

Submissions (3):

Unidad de Genómica Garrahan, Hospital de Pediatría Garrahan
Classification: Benign. Last evaluated: 2023-11-12. Review status: criteria provided, single submitter. Criteria: ACMG Guidelines, 2015. Collection method: clinical testing. Allele origin: germline. Affected: no. Observed: 30 variant alleles.
Comment: This variant is classified as Benign based on local population frequency. This variant was detected in 31% of patients studied by a panel of primary immunodeficiencies. Number of patients: 30. Only high quality variants are reported.

GeneDx
Classification: Benign. Last evaluated: 2021-06-19. Review status: criteria provided, single submitter. Criteria: GeneDx Variant Classification Process June 2021. Collection method: clinical testing. Allele origin: germline. Affected: yes.

Breakthrough Genomics
Classification: Benign. Review status: criteria provided, single submitter. Criteria: ACMG Guidelines, 2015. Collection method: not provided. Allele origin: germline. Inheritance: Autosomal recessive inheritance. Affected: yes.